The following is an entry in ClinVar:

NM_001112741.2(KCNC1):c.433G>C (p.Gly145Arg)

Gene: KCNC1 (potassium voltage-gated channel subfamily C member 1; plus strand). Cytogenetic location: 11p15.1.
Variant type: single nucleotide variant.
Coding change: c.433G>C on transcript NM_001112741.2 (MANE Select); coding-DNA position 433, G replaced by C.
Protein change: p.Gly145Arg; replaces glycine 145 with arginine.
Molecular consequence: missense variant.
Genome position (GRCh38, 1-based): chr11:17,736,435, G>C. VCF-style: chr11-17736435-G-C. GRCh37 (hg19) VCF-style: chr11-17757982-G-C.
Other names: c.433G>C, p.Gly145Arg (NM_004976.4); short protein forms G145R.
Identifiers: ClinVar variation 475354 (VCV000475354.7), dbSNP rs759773311, ClinGen allele CA5906671.
Genomic context (GRCh38, chr11:17,736,435, plus strand): 5'-GCTCCTCTGGACAACAGCGCCGACGACGCGGACGCCGACGGCCCTGGCGACTCGGGCGAC[G>C]GCGAGGACGAGCTGGAGATGACCAAGCGCCTGGCGCTCAGTGACTCCCCGGATGGCCGGC-3'
Protein context (NP_001106212.1, residues 135-155): DADGPGDSGD[Gly145Arg]EDELEMTKRL

ClinVar aggregate classification (germline): Uncertain significance (1 of 4 stars; one submission).

Conditions:
Progressive myoclonic epilepsy type 7. Identifiers: Orphanet 435438, MedGen C4015420, MONDO:0014521, OMIM 616187.

Allele frequency attached by ClinVar (database versions not stated): TOPMed 0.00002; gnomAD 0.00002; ExAC 0.00001; gnomAD exomes 0.00001.
gnomAD v4.1: 6 of 1,606,194 alleles (0.00037%); highest among the groups gnomAD compares: African/African-American, 0.008%; no homozygotes.

Submission:

Labcorp Genetics (formerly Invitae), Labcorp
Classification: Uncertain significance for Progressive myoclonic epilepsy type 7. Last evaluated: 2023-11-27. Review status: criteria provided, single submitter. Criteria: Invitae Variant Classification Sherloc (09022015). Collection method: clinical testing. Allele origin: germline.
Comment: This sequence change replaces glycine, which is neutral and non-polar, with arginine, which is basic and polar, at codon 145 of the KCNC1 protein (p.Gly145Arg). This variant is present in population databases (rs759773311, gnomAD 0.02%). This variant has not been reported in the literature in individuals affected with KCNC1-related conditions. ClinVar contains an entry for this variant (Variation ID: 475354). Advanced modeling of protein sequence and biophysical properties (such as structural, functional, and spatial information, amino acid conservation, physicochemical variation, residue mobility, and thermodynamic stability) performed at Invitae indicates that this missense variant is not expected to disrupt KCNC1 protein function with a negative predictive value of 95%. In summary, the available evidence is currently insufficient to determine the role of this variant in disease. Therefore, it has been classified as a Variant of Uncertain Significance.